The following is an entry in ClinVar:

NM_032816.5(CEP89):c.844A>T (p.Lys282Ter)

Gene: CEP89 (centrosomal protein 89; minus strand). Cytogenetic location: 19q13.11.
Variant type: single nucleotide variant.
Coding change: c.844A>T on transcript NM_032816.5 (MANE Select); coding-DNA position 844, A replaced by T.
Protein change: p.Lys282Ter; replaces lysine 282 with a stop codon.
Molecular consequence: nonsense.
Genome position (GRCh38, 1-based): chr19:32,933,493, T>A on the plus strand (A>T on the coding strand, the complement: CEP89 is on the minus strand). VCF-style: chr19-32933493-T-A. GRCh37 (hg19) VCF-style: chr19-33424399-T-A.
Other names: short protein forms K282*.
Identifiers: ClinVar variation 1174866 (VCV001174866.9), dbSNP rs142764139, ClinGen allele CA9359504.

ClinVar aggregate classification (germline): Uncertain significance. Review status: criteria provided, multiple submitters, no conflicts (2 of 4 stars). 4 submissions from 4 submitters: Uncertain significance (2). 2 of the submissions do not count toward it. Last evaluated 2024-05-14.

Allele frequency attached by ClinVar (database versions not stated): ExAC 0.00073; gnomAD exomes 0.00077 and 0.00151; TOPMed 0.00077; gnomAD 0.00084 and 0.00089; ESP Exome Variant Server 0.00138.
gnomAD v4.1: 2,292 of 1,614,038 alleles (0.14%); highest among the groups gnomAD compares: Non-Finnish European, 0.19%; 2 homozygotes.

Submissions (4):

Labcorp Genetics (formerly Invitae), Labcorp
Classification: Uncertain significance. Last evaluated: 2024-05-14. Review status: criteria provided, single submitter. Criteria: Invitae Variant Classification Sherloc (09022015). Collection method: clinical testing. Allele origin: germline.
Comment: This sequence change creates a premature translational stop signal (p.Lys282*) in the CEP89 gene. It is expected to result in an absent or disrupted protein product. However, the current clinical and genetic evidence is not sufficient to establish whether loss-of-function variants in CEP89 cause disease. This variant is present in population databases (rs142764139, gnomAD 0.2%), and has an allele count higher than expected for a pathogenic variant. This variant has not been reported in the literature in individuals affected with CEP89-related conditions. ClinVar contains an entry for this variant (Variation ID: 1174866). Algorithms developed to predict the effect of sequence changes on RNA splicing suggest that this variant may disrupt the consensus splice site. In summary, the available evidence is currently insufficient to determine the role of this variant in disease. Therefore, it has been classified as a Variant of Uncertain Significance.

Breakthrough Genomics
Classification: Uncertain significance. Review status: criteria provided, single submitter. Criteria: ACMG Guidelines, 2015. Collection method: not provided. Allele origin: germline. Inheritance: Autosomal dominant inheritance. Affected: yes.

Clinical Genetics DNA and cytogenetics Diagnostics Lab, Erasmus MC, Erasmus Medical Center
Classification: Uncertain significance. Review status: no assertion criteria provided. Collection method: clinical testing. Allele origin: germline. Affected: yes. Study: VKGL Data-share Consensus. Not counted in ClinVar's aggregate classification.

Diagnostic Laboratory, Department of Genetics, University Medical Center Groningen
Classification: Uncertain significance. Review status: no assertion criteria provided. Collection method: clinical testing. Allele origin: germline. Affected: yes. Study: VKGL Data-share Consensus. Not counted in ClinVar's aggregate classification.